The following is an entry in ClinVar:

NM_000245.4(MET):c.2774T>C (p.Val925Ala)

Gene: MET (MET proto-oncogene, receptor tyrosine kinase; plus strand). Cytogenetic location: 7q31.2.
Variant type: single nucleotide variant.
Coding change: c.2774T>C on transcript NM_000245.4 (MANE Select); coding-DNA position 2774, T replaced by C.
Protein change: p.Val925Ala; replaces valine 925 with alanine.
Molecular consequence: missense variant.
Genome position (GRCh38, 1-based): chr7:116,771,541, T>C. VCF-style: chr7-116771541-T-C. GRCh37 (hg19) VCF-style: chr7-116411595-T-C.
Other names: c.2828T>C (NM_001127500.2, LRG_662t1); c.2828T>C, p.Val943Ala (NM_001127500.3); c.1484T>C, p.Val495Ala (NM_001324402.2); short protein forms V943A, V495A, V925A.
Identifiers: ClinVar variation 524877 (VCV000524877.12), dbSNP rs922442405, ClinGen allele CA164904792.

ClinVar aggregate classification (germline): Uncertain significance. Review status: criteria provided, multiple submitters, no conflicts (2 of 4 stars). 3 submissions from 3 submitters: Uncertain significance (3). Last evaluated 2025-09-05.

Conditions:
Renal cell carcinoma. Identifiers: Orphanet 217071, MedGen C0007134, MeSH D002292, MONDO:0005086, HP:0005584.
Hereditary cancer-predisposing syndrome. Also called: Neoplastic Syndromes, Hereditary; Hereditary neoplastic syndrome; Tumor predisposition; Hereditary Cancer Syndrome. Identifiers: Orphanet 140162, MedGen C0027672, MeSH D009386, MONDO:0015356.

Allele frequency attached by ClinVar (database versions not stated): TOPMed below 0.00001.

Submissions (3):

Quest Diagnostics Nichols Institute San Juan Capistrano
Classification: Uncertain significance. Last evaluated: 2025-09-05. Review status: criteria provided, single submitter. Criteria: Quest Diagnostics criteria. Collection method: clinical testing. Allele origin: unknown.

Ambry Genetics
Classification: Uncertain significance for Hereditary cancer-predisposing syndrome. Last evaluated: 2024-06-14. Review status: criteria provided, single submitter. Criteria: Ambry Variant Classification Scheme 2023. Collection method: clinical testing. Allele origin: germline.
Comment: The p.V943A variant (also known as c.2828T>C), located in coding exon 12 of the MET gene, results from a T to C substitution at nucleotide position 2828. The valine at codon 943 is replaced by alanine, an amino acid with similar properties. This amino acid position is conserved. In addition, this alteration is predicted to be tolerated by in silico analysis. Based on the available evidence, the clinical significance of this variant remains unclear.

Labcorp Genetics (formerly Invitae), Labcorp
Classification: Uncertain significance for Renal cell carcinoma. Last evaluated: 2023-08-30. Review status: criteria provided, single submitter. Criteria: Invitae Variant Classification Sherloc (09022015). Collection method: clinical testing. Allele origin: germline.
Comment: In summary, the available evidence is currently insufficient to determine the role of this variant in disease. Therefore, it has been classified as a Variant of Uncertain Significance. Advanced modeling of protein sequence and biophysical properties (such as structural, functional, and spatial information, amino acid conservation, physicochemical variation, residue mobility, and thermodynamic stability) performed at Invitae indicates that this missense variant is not expected to disrupt MET protein function. ClinVar contains an entry for this variant (Variation ID: 524877). This variant has not been reported in the literature in individuals affected with MET-related conditions. This variant is not present in population databases (gnomAD no frequency). This sequence change replaces valine, which is neutral and non-polar, with alanine, which is neutral and non-polar, at codon 943 of the MET protein (p.Val943Ala).